The following is an entry in ClinVar:

NM_012203.2(GRHPR):c.338_351del (p.Glu113fs)

Gene: GRHPR (glyoxylate and hydroxypyruvate reductase; plus strand). Cytogenetic location: 9p13.2.
Variant type: Deletion.
Coding change: c.338_351del on transcript NM_012203.2 (MANE Select); coding-DNA positions 338 to 351, 14 bases deleted (AACTCGCAGTCTCC).
Protein change: p.Glu113fs; shifts the reading frame from glutamic acid 113.
Molecular consequence: frameshift variant.
Genome position (GRCh38, 1-based): chr9:37,426,588-37,426,601, AACTCGCAGTCTCC deleted. VCF-style (leftmost placement, unchanged base first): chr9-37426587-GAACTCGCAGTCTCC-G. GRCh37 (hg19) VCF-style: chr9-37426584-GAACTCGCAGTCTCC-G.
Other names: short protein forms E113fs.
Identifiers: ClinVar variation 1725398 (VCV001725398.2), dbSNP rs2489235986, ClinGen allele CA2580080515.

ClinVar aggregate classification (germline): Likely pathogenic (1 of 4 stars; one submission).

Conditions:
Primary hyperoxaluria, type II (HP2). Also called: GLYCERIC ACIDURIA; GLYOXYLATE REDUCTASE/HYDROXYPYRUVATE REDUCTASE DEFICIENCY; Primary hyperoxaluria type 2; D-GLYCERATE DEHYDROGENASE DEFICIENCY; OXALOSIS II. Identifiers: Orphanet 416, Orphanet 93599, MedGen C0268165, MONDO:0009824, OMIM 260000. Disease mechanism: loss of function.

Submission:

Myriad Genetics, Inc.
Classification: Likely pathogenic for Primary hyperoxaluria, type II. Last evaluated: 2022-03-18. Review status: criteria provided, single submitter. Criteria: Myriad Women's Health Autosomal Recessive and X-Linked Classification Criteria (2021). Collection method: clinical testing. Allele origin: unknown.
Comment: NM_012203.1(GRHPR):c.338_351del14(E113Afs*73) is expected to be pathogenic in the context of primary hyperoxaluria type 2. This variant is predicted to lead to an abnormal or absent protein product due to the creation of a premature termination codon in GRHPR, a gene where loss-of-function variants are known to be pathogenic. Please note: this variant was assessed in the context of healthy population screening.